The following is an entry in ClinVar:

NM_005101.4(ISG15):c.463dup (p.Arg155fs)

Gene: ISG15 (ISG15 ubiquitin like modifier; plus strand). Cytogenetic location: 1p36.33.
Variant type: Duplication.
Coding change: c.463dup on transcript NM_005101.4 (MANE Select); coding-DNA position 463, one base duplicated (C; older notation c.463dupC).
Protein change: p.Arg155fs; shifts the reading frame from arginine 155.
Molecular consequence: frameshift variant.
Genome position (GRCh38, 1-based): chr1:1,014,443, C duplicated. VCF-style (leftmost placement, unchanged base first): chr1-1014442-G-GC. GRCh37 (hg19) VCF-style: chr1-949822-G-GC.
Other names: short protein forms R155fs.
Identifiers: ClinVar variation 1020899 (VCV001020899.8), dbSNP rs1644252301, ClinGen allele CA1148735805.

ClinVar aggregate classification (germline): Uncertain significance. Review status: criteria provided, multiple submitters, no conflicts (2 of 4 stars). 3 submissions from 3 submitters: Uncertain significance (3). Last evaluated 2024-12-18.

Conditions:
Mendelian susceptibility to mycobacterial diseases due to complete ISG15 deficiency. Also called: Immunodeficiency 38 with basal ganglia calcification; Immunodeficiency 38; IMMUNODEFICIENCY 38, MYCOBACTERIOSIS, AUTOSOMAL RECESSIVE; ISG15 DEFICIENCY, AUTOSOMAL RECESSIVE. Identifiers: Orphanet 319563, MedGen C4015293, MONDO:0014502, OMIM 616126.

Allele frequency attached by ClinVar (database versions not stated): gnomAD exomes below 0.00001.

Submissions (3):

Genomic Medicine Center of Excellence, King Faisal Specialist Hospital and Research Centre
Classification: Uncertain significance for Mendelian susceptibility to mycobacterial diseases due to complete ISG15 deficiency. Last evaluated: 2024-12-18. Review status: criteria provided, single submitter. Criteria: ACMG Guidelines, 2015. Collection method: clinical testing. Allele origin: germline.

Labcorp Genetics (formerly Invitae), Labcorp
Classification: Uncertain significance for Mendelian susceptibility to mycobacterial diseases due to complete ISG15 deficiency. Last evaluated: 2022-06-27. Review status: criteria provided, single submitter. Criteria: Invitae Variant Classification Sherloc (09022015). Collection method: clinical testing. Allele origin: germline.
Comment: This variant has not been reported in the literature in individuals affected with ISG15-related conditions. In summary, the available evidence is currently insufficient to determine the role of this variant in disease. Therefore, it has been classified as a Variant of Uncertain Significance. Experimental studies and prediction algorithms are not available or were not evaluated, and the functional significance of this variant is currently unknown. ClinVar contains an entry for this variant (Variation ID: 1020899). This variant is not present in population databases (gnomAD no frequency). This sequence change results in a frameshift in the ISG15 gene (p.Arg155Profs*?). While this is not anticipated to result in nonsense mediated decay, it is expected to disrupt the last 11 amino acid(s) of the ISG15 protein and extend the length of the ISG15 protein, but the length of the extension is unknown as no new stop signal is encountered.

Baylor Genetics
Classification: Uncertain significance for Mendelian susceptibility to mycobacterial diseases due to complete ISG15 deficiency. Last evaluated: 2021-12-31. Review status: criteria provided, single submitter. Criteria: ACMG Guidelines, 2015. Collection method: clinical testing. Allele origin: unknown.